The following is an entry in ClinVar:

ClinVar aggregate classification (germline): Uncertain significance (1 of 4 stars; one submission).

Conditions:
Nephrolithiasis/nephrocalcinosis. Identifiers: MedGen CN580796.

Submission:

Ambry Genetics
Classification: Uncertain significance for Nephrolithiasis/nephrocalcinosis. Last evaluated: 2022-10-12. Review status: criteria provided, single submitter. Criteria: Ambry Variant Classification Scheme 2023. Collection method: clinical testing. Allele origin: germline.
Comment: The p.T617I variant (also known as c.1850C>T), located in coding exon 6 of the CASR gene, results from a C to T substitution at nucleotide position 1850. The threonine at codon 617 is replaced by isoleucine, an amino acid with similar properties. This amino acid position is conserved. In addition, the in silico prediction for this alteration is inconclusive. Since supporting evidence is limited at this time, the clinical significance of this alteration remains unclear.

NM_000388.4(CASR):c.1850C>T (p.Thr617Ile)

Gene: CASR (calcium sensing receptor; plus strand). Cytogenetic location: 3q21.1.
Variant type: single nucleotide variant.
Coding change: c.1850C>T on transcript NM_000388.4 (MANE Select); coding-DNA position 1850, C replaced by T.
Protein change: p.Thr617Ile; replaces threonine 617 with isoleucine.
Molecular consequence: missense variant.
Genome position (GRCh38, 1-based): chr3:122,283,804, C>T. VCF-style: chr3-122283804-C-T. GRCh37 (hg19) VCF-style: chr3-122002651-C-T.
Other names: c.1880C>T, p.Thr627Ile (NM_001178065.2); short protein forms T627I, T617I.
Identifiers: ClinVar variation 1781318 (VCV001781318.2), dbSNP rs2074923567, ClinGen allele CA354157625.